The following is an entry in ClinVar:

NM_001848.3(COL6A1):c.1119+261G>A

Gene: COL6A1 (collagen type VI alpha 1 chain; plus strand). Cytogenetic location: 21q22.3.
Variant type: single nucleotide variant.
Coding change: c.1119+261G>A on transcript NM_001848.3 (MANE Select); 261 bases into the intron after coding-DNA position 1119, G replaced by A.
Molecular consequence: intron variant.
Genome position (GRCh38, 1-based): chr21:45,991,302, G>A. VCF-style: chr21-45991302-G-A. GRCh37 (hg19) VCF-style: chr21-47411216-G-A.
Identifiers: ClinVar variation 668882 (VCV000668882.1), dbSNP rs55726338, ClinGen allele CA14888032.

ClinVar aggregate classification (germline): Benign (1 of 4 stars; one submission).

Allele frequency attached by ClinVar (database versions not stated): TOPMed 0.11507; gnomAD 0.11645 and 0.11959; 1000 Genomes Project 30x 0.11790; 1000 Genomes Project 0.12460.
gnomAD v4.1: 18,381 of 152,264 alleles (12%); highest among the groups gnomAD compares: South Asian, 22%; 1,316 homozygotes.

Submission:

GeneDx
Classification: Benign. Last evaluated: 2018-06-14. Review status: criteria provided, single submitter. Criteria: GeneDx Variant Classification (06012015). Collection method: clinical testing. Allele origin: germline. Affected: yes.
Comment: This variant is considered likely benign or benign based on one or more of the following criteria: it is a conservative change, it occurs at a poorly conserved position in the protein, it is predicted to be benign by multiple in silico algorithms, and/or has population frequency not consistent with disease.